The following is an entry in ClinVar:

NM_001322934.2(NFKB2):c.2085T>A (p.His695Gln)

Gene: NFKB2 (nuclear factor kappa B subunit 2; plus strand). Cytogenetic location: 10q24.32.
Variant type: single nucleotide variant.
Coding change: c.2085T>A on transcript NM_001322934.2 (MANE Select); coding-DNA position 2085, T replaced by A.
Protein change: p.His695Gln; replaces histidine 695 with glutamine.
Molecular consequence: missense variant.
Genome position (GRCh38, 1-based): chr10:102,401,193, T>A. VCF-style: chr10-102401193-T-A. GRCh37 (hg19) VCF-style: chr10-104160950-T-A.
Other names: c.2085T>A, p.His695Gln (NM_001077493.1, NM_001077494.3, NM_001261403.3 and 2 more transcripts); c.1959T>A, p.His653Gln (NM_001322935.1); c.2085T>A (NM_001077494.1); short protein forms H653Q, H695Q.
Identifiers: ClinVar variation 2671756 (VCV002671756.2), dbSNP rs773328166, ClinGen allele CA5664990.

ClinVar aggregate classification (germline): Uncertain significance. Review status: criteria provided, multiple submitters, no conflicts (2 of 4 stars). 2 submissions from 2 submitters: Uncertain significance (2). Last evaluated 2024-05-29.

Conditions:
Inborn genetic diseases. Identifiers: MedGen C0950123, MeSH D030342.
Immunodeficiency, common variable, 10. Also called: IMMUNODEFICIENCY, COMMON VARIABLE, WITH CENTRAL ADRENAL INSUFFICIENCY; DEFICIT IN ANTERIOR PITUITARY FUNCTION AND VARIABLE IMMUNODEFICIENCY. Identifiers: MedGen C3809991, MONDO:0014260, OMIM 615577.

Allele frequency attached by ClinVar (database versions not stated): gnomAD exomes 0.00001; ExAC 0.00003.
gnomAD v4.1: 13 of 1,593,900 alleles (0.00082%); highest among the groups gnomAD compares: South Asian, 0.011%; no homozygotes.

Submissions (2):

Ambry Genetics
Classification: Uncertain significance for Inborn genetic diseases. Last evaluated: 2024-05-29. Review status: criteria provided, single submitter. Criteria: Ambry Variant Classification Scheme 2023. Collection method: clinical testing. Allele origin: germline.

Neuberg Centre For Genomic Medicine, NCGM
Classification: Uncertain significance for Immunodeficiency, common variable, 10. Last evaluated: 2023-02-14. Review status: criteria provided, single submitter. Criteria: ACMG Guidelines, 2015. Collection method: clinical testing. Allele origin: germline. Inheritance: Autosomal dominant inheritance. Affected: yes.
Comment: The missense c.2085T>A (p.His695Gln) variant in NFKB2 gene has not been reported previously as a pathogenic variant nor as a benign variant, to our knowledge. The p.His695Gln variant has allele frequency 0.002% in gnomAD Exomes and is novel (not in any individuals) in 1000 Genomes. This variant has not been reported to the ClinVar database. The amino acid His at position 695 is changed to a Gln changing protein sequence and it might alter its composition and physico-chemical properties. For these reasons, this variant has been classified as Variant of Uncertain Significance (VUS)